The following is an entry in ClinVar:

ClinVar aggregate classification (germline): Uncertain significance. Review status: criteria provided, multiple submitters, no conflicts (2 of 4 stars). 2 submissions from 2 submitters: Uncertain significance (2). Last evaluated 2024-12-03.

Submissions (2):

GeneDx
Classification: Uncertain significance. Last evaluated: 2024-12-03. Review status: criteria provided, single submitter. Criteria: GeneDx Variant Classification Process June 2021. Collection method: clinical testing. Allele origin: germline. Affected: yes.
Comment: Not observed at significant frequency in large population cohorts (gnomAD); In silico analysis supports that this missense variant has a deleterious effect on protein structure/function; Has not been previously published as pathogenic or benign to our knowledge

Athena Diagnostics
Classification: Uncertain significance. Last evaluated: 2021-07-16. Review status: criteria provided, single submitter. Criteria: Athena Diagnostics Criteria. Collection method: clinical testing. Allele origin: unknown.

NM_006796.3(AFG3L2):c.1742C>G (p.Ala581Gly)

Gene: AFG3L2 (AFG3 like matrix AAA peptidase subunit 2; minus strand). Cytogenetic location: 18p11.21.
Variant type: single nucleotide variant.
Coding change: c.1742C>G on transcript NM_006796.3 (MANE Select); coding-DNA position 1742, C replaced by G.
Protein change: p.Ala581Gly; replaces alanine 581 with glycine.
Molecular consequence: missense variant.
Genome position (GRCh38, 1-based): chr18:12,344,169, G>C on the plus strand (C>G on the coding strand, the complement: AFG3L2 is on the minus strand). VCF-style: chr18-12344169-G-C. GRCh37 (hg19) VCF-style: chr18-12344168-G-C.
Other names: short protein forms A581G.
Identifiers: ClinVar variation 1806910 (VCV001806910.2), dbSNP rs2510223765, ClinGen allele CA401949580.